The following is an entry in ClinVar:

NM_024570.4(RNASEH2B):c.64+2_64+6del

Genes: RNASEH2B (ribonuclease H2 subunit B; plus strand), RNASEH2B-AS1 (RNASEH2B antisense RNA 1; minus strand), LOC130009810 (ATAC-STARR-seq lymphoblastoid silent region 5362; plus strand). Cytogenetic location: 13q14.3.
Variant type: Deletion.
Coding change: c.64+2_64+6del on transcript NM_024570.4 (MANE Select); the canonical splice donor site of the intron after coding-DNA position 64 through 6 bases into the intron after coding-DNA position 64, 5 bases deleted (TAAAC; older notation c.64+2_64+6delTAAAC).
Molecular consequence: splice donor variant.
Genome position (GRCh38, 1-based): chr13:50,910,142-50,910,146, TAAAC deleted. VCF-style (leftmost placement, unchanged base first): chr13-50910141-GTAAAC-G. GRCh37 (hg19) VCF-style: chr13-51484277-GTAAAC-G.
Other names: c.64+2_64+6del (NM_001142279.2, NM_001411023.1).
Identifiers: ClinVar variation 2573006 (VCV002573006.1), dbSNP rs1382321491, ClinGen allele CA609903550.

ClinVar aggregate classification (germline): Likely pathogenic (1 of 4 stars; one submission).

Conditions:
Aicardi-Goutieres syndrome 2. Identifiers: Orphanet 51, MedGen C3489724, MONDO:0012429, OMIM 610181.

Allele frequency attached by ClinVar (database versions not stated): gnomAD exomes 0.00001.

Submission:

Illumina Laboratory Services, Illumina
Classification: Likely pathogenic for Aicardi-Goutieres syndrome 2. Last evaluated: 2023-01-09. Review status: criteria provided, single submitter. Criteria: ICSLVariantClassificationCriteria RUGD 01 April 2020. Collection method: clinical testing. Allele origin: unknown.
Comment: The RNASEH2B c.64+2_64+6del variant results in the deletion of five nucleotides, including the thymine within the consensus splice donor site, which may result in splicing defects. To our knowledge, this variant has not been reported in the peer-reviewed literature. This variant is reported in one allele in the Genome Aggregation Database at a frequency of 0.000043 in the European (non-Finnish) population (version 2.1.1). This variant was found in trans with the well known pathogenic variant, c.529G>A (p.Ala177Thr). Based on the available evidence, the c.64+2_64+6del variant is classified as likely pathogenic for Aicardi-Goutieres syndrome.